The following is an entry in ClinVar:

NM_004385.5(VCAN):c.7185A>C (p.Thr2395=)

Genes: VCAN (versican; plus strand), VCAN-AS1 (VCAN antisense RNA 1; minus strand). Cytogenetic location: 5q14.3.
Variant type: single nucleotide variant.
Coding change: c.7185A>C on transcript NM_004385.5 (MANE Select); coding-DNA position 7185, A replaced by C.
Protein change: p.Thr2395=; no amino-acid change (threonine 2395 retained).
Molecular consequence: synonymous variant. On other transcripts: intron variant (2).
Genome position (GRCh38, 1-based): chr5:83,540,188, A>C. VCF-style: chr5-83540188-A-C. GRCh37 (hg19) VCF-style: chr5-82836007-A-C.
Other names: c.7185A>C (NM_004385.4); c.4224A>C, p.Thr1408= (NM_001164097.2); c.4004-5349A>C (NM_001164098.2); c.1043-5349A>C (NM_001126336.3).
Identifiers: ClinVar variation 1660496 (VCV001660496.11), dbSNP rs530264197, ClinGen allele CA3333599.
Genomic context (GRCh38, chr5:83,540,188, plus strand): 5'-AACCATAACTGAACAAGACTCTAACAAGAATTCTTCAACAGCAGAAATTAACGAAACAAC[A>C]ACCTCATCTACTGATTTTCTGGCTAGAGCTTATGGTTTTGAAATGGCCAAAGAATTTGTT-3'
Protein context (NP_004376.2, residues 2385-2405): NSSTAEINET[Thr2395=]TSSTDFLARA

ClinVar aggregate classification (germline): Likely benign. Review status: criteria provided, multiple submitters, no conflicts (2 of 4 stars). 3 submissions from 3 submitters: Likely benign (2). 1 of the submissions does not count toward it. Last evaluated 2024-09-03.

Conditions:
VCAN-related disorder. Also called: VCAN-related condition.

Allele frequency attached by ClinVar (database versions not stated): gnomAD 0.00001; gnomAD exomes 0.00003 and 0.00008; ExAC 0.00010; 1000 Genomes Project 30x 0.00016; 1000 Genomes Project 0.00020.
gnomAD v4.1: 51 of 1,614,024 alleles (0.0032%); highest among the groups gnomAD compares: South Asian, 0.053%; 1 homozygote.

Submissions (3):

Blueprint Genetics
Classification: Likely benign. Last evaluated: 2024-09-03. Review status: criteria provided, single submitter. Criteria: ACMG Guidelines, 2015. Collection method: clinical testing. Allele origin: germline.

Labcorp Genetics (formerly Invitae), Labcorp
Classification: Likely benign. Last evaluated: 2024-03-23. Review status: criteria provided, single submitter. Criteria: Invitae Variant Classification Sherloc (09022015). Collection method: clinical testing. Allele origin: germline.

PreventionGenetics, part of Exact Sciences
Classification: Likely benign for VCAN-related condition. Last evaluated: 2023-06-06. Review status: no assertion criteria provided. Collection method: clinical testing. Allele origin: germline. Not counted in ClinVar's aggregate classification.
Comment: This variant is classified as likely benign based on ACMG/AMP sequence variant interpretation guidelines (Richards et al. 2015 PMID: 25741868, with internal and published modifications).